The following is an entry in ClinVar:

ClinVar aggregate classification (germline): Uncertain significance. Review status: criteria provided, multiple submitters, no conflicts (2 of 4 stars). 3 submissions from 3 submitters: Uncertain significance (3). Last evaluated 2024-02-14.

Conditions:
Chédiak-Higashi syndrome (CHS). Also called: Chediak-Higashi Syndrome. Identifiers: Orphanet 167, MedGen C0007965, MONDO:0008963, OMIM 214500.

Allele frequency attached by ClinVar (database versions not stated): gnomAD exomes below 0.00001; ExAC 0.00001.
gnomAD v4.1: 1 of 1,418,010 alleles (0.000071%); highest among the groups gnomAD compares: Non-Finnish European, 0.0001%; no homozygotes.

Submissions (3):

Mayo Clinic Laboratories, Mayo Clinic
Classification: Uncertain significance. Last evaluated: 2024-02-14. Review status: criteria provided, single submitter. Criteria: ACMG Guidelines, 2015. Collection method: clinical testing. Allele origin: germline. Observed: 1 variant allele.
Comment: BP4, PM2_moderate

Blueprint Genetics
Classification: Uncertain significance. Last evaluated: 2024-02-02. Review status: criteria provided, single submitter. Criteria: ACMG Guidelines, 2015. Collection method: clinical testing. Allele origin: germline.

Labcorp Genetics (formerly Invitae), Labcorp
Classification: Uncertain significance for Chédiak-Higashi syndrome. Last evaluated: 2024-01-08. Review status: criteria provided, single submitter. Criteria: Invitae Variant Classification Sherloc (09022015). Collection method: clinical testing. Allele origin: germline.
Comment: This sequence change replaces serine, which is neutral and polar, with alanine, which is neutral and non-polar, at codon 2716 of the LYST protein (p.Ser2716Ala). This variant is present in population databases (rs753354686, gnomAD 0.0009%). This variant has not been reported in the literature in individuals affected with LYST-related conditions. Advanced modeling of protein sequence and biophysical properties (such as structural, functional, and spatial information, amino acid conservation, physicochemical variation, residue mobility, and thermodynamic stability) performed at Invitae indicates that this missense variant is not expected to disrupt LYST protein function with a negative predictive value of 80%. In summary, the available evidence is currently insufficient to determine the role of this variant in disease. Therefore, it has been classified as a Variant of Uncertain Significance.

NM_000081.4(LYST):c.8146T>G (p.Ser2716Ala)

Gene: LYST (lysosomal trafficking regulator; minus strand). Cytogenetic location: 1q42.3.
Variant type: single nucleotide variant.
Coding change: c.8146T>G on transcript NM_000081.4 (MANE Select); coding-DNA position 8146, T replaced by G.
Protein change: p.Ser2716Ala; replaces serine 2716 with alanine.
Molecular consequence: missense variant.
Genome position (GRCh38, 1-based): chr1:235,743,984, A>C on the plus strand (T>G on the coding strand, the complement: LYST is on the minus strand). VCF-style: chr1-235743984-A-C. GRCh37 (hg19) VCF-style: chr1-235907284-A-C.
Other names: p.Ser2716Ala; c.8146T>G, p.Ser2716Ala (NM_001301365.1); short protein forms S2716A.
Identifiers: ClinVar variation 2849303 (VCV002849303.5), dbSNP rs753354686, ClinGen allele CA1465942.